The following is an entry in ClinVar:

ClinVar aggregate classification (germline): Pathogenic/Likely pathogenic. Review status: criteria provided, multiple submitters, no conflicts (2 of 4 stars). 3 submissions from 3 submitters: Pathogenic (1); Likely pathogenic (2). Last evaluated 2023-09-26.

Conditions:
Epidermolysis bullosa, junctional 6, with pyloric atresia. Also called: ITGA6-Related Epidermolysis Bullosa with Pyloric Atresia. Identifiers: MedGen C5676957, MONDO:0859233, OMIM 619817.

gnomAD v4.1: 2 of 1,614,056 alleles (0.00012%); highest among the groups gnomAD compares: Non-Finnish European, 0.00017%; no homozygotes.

Submissions (3):

Labcorp Genetics (formerly Invitae), Labcorp
Classification: Pathogenic. Last evaluated: 2023-09-26. Review status: criteria provided, single submitter. Criteria: Invitae Variant Classification Sherloc (09022015). Collection method: clinical testing. Allele origin: germline.
Comment: For these reasons, this variant has been classified as Pathogenic. This sequence change creates a premature translational stop signal (p.Arg148*) in the ITGA6 gene. It is expected to result in an absent or disrupted protein product. Loss-of-function variants in ITGA6 are known to be pathogenic (PMID: 9158140, 9185503, 9804362, 27607025). This variant has not been reported in the literature in individuals affected with ITGA6-related conditions. This variant is not present in population databases (gnomAD no frequency). ClinVar contains an entry for this variant (Variation ID: 870820).

Fulgent Genetics
Classification: Likely pathogenic for Epidermolysis bullosa, junctional 6, with pyloric atresia. Last evaluated: 2022-02-15. Review status: criteria provided, single submitter. Criteria: ACMG Guidelines, 2015. Collection method: clinical testing. Allele origin: unknown.

CeGaT Center for Human Genetics Tuebingen
Classification: Likely pathogenic. Last evaluated: 2019-11-01. Review status: criteria provided, single submitter. Criteria: CeGaT Center For Human Genetics Tuebingen Variant Classification Criteria Version 2. Collection method: clinical testing. Allele origin: germline. Affected: yes. Observed: 1 variant allele.

Literature cited by the submitters: PubMed 9158140 (cited by Labcorp Genetics (formerly Invitae), Labcorp); PubMed 9185503 (cited by Labcorp Genetics (formerly Invitae), Labcorp); PubMed 9804362 (cited by Labcorp Genetics (formerly Invitae), Labcorp); PubMed 27607025 (cited by Labcorp Genetics (formerly Invitae), Labcorp).

NM_000210.4(ITGA6):c.442C>T (p.Arg148Ter)

Genes: ITGA6 (integrin subunit alpha 6; plus strand), PDK1-AS1 (PDK1 and ITGA6 antisense RNA 1; minus strand). Cytogenetic location: 2q31.1.
Variant type: single nucleotide variant.
Coding change: c.442C>T on transcript NM_000210.4 (MANE Select); coding-DNA position 442, C replaced by T.
Protein change: p.Arg148Ter; replaces arginine 148 with a stop codon.
Molecular consequence: nonsense.
Genome position (GRCh38, 1-based): chr2:172,469,179, C>T. VCF-style: chr2-172469179-C-T. GRCh37 (hg19) VCF-style: chr2-173333907-C-T.
Other names: c.442C>T, p.Arg148Ter (NM_001079818.3, NM_001365529.2, NM_001365530.2); c.100C>T, p.Arg34Ter (NM_001316306.2); short protein forms R148*, R34*.
Identifiers: ClinVar variation 870820 (VCV000870820.45), dbSNP rs754621187, ClinGen allele CA349303011.